The following is an entry in ClinVar:

ClinVar aggregate classification (germline): Uncertain significance (1 of 4 stars; one submission).

Conditions:
Alstrom syndrome (ALMS). Identifiers: Orphanet 64, MedGen C0268425, MONDO:0008763, OMIM 203800.

Submission:

Labcorp Genetics (formerly Invitae), Labcorp
Classification: Uncertain significance for Alstrom syndrome. Last evaluated: 2022-07-19. Review status: criteria provided, single submitter. Criteria: Invitae Variant Classification Sherloc (09022015). Collection method: clinical testing. Allele origin: germline.
Comment: Experimental studies and prediction algorithms are not available or were not evaluated, and the functional significance of this variant is currently unknown. This variant has not been reported in the literature in individuals affected with ALMS1-related conditions. This variant is not present in population databases (gnomAD no frequency). This sequence change replaces glycine, which is neutral and non-polar, with arginine, which is basic and polar, at codon 4009 of the ALMS1 protein (p.Gly4009Arg). In summary, the available evidence is currently insufficient to determine the role of this variant in disease. Therefore, it has been classified as a Variant of Uncertain Significance. Algorithms developed to predict the effect of sequence changes on RNA splicing suggest that this variant may create or strengthen a splice site.

NM_001378454.1(ALMS1):c.12022G>C (p.Gly4008Arg)

Genes: ALMS1 (ALMS1 centrosome and basal body associated protein; plus strand), LOC126806252 (BRD4-independent group 4 enhancer GRCh37_chr2:73828496-73829695; plus strand). Cytogenetic location: 2p13.1.
Variant type: single nucleotide variant.
Coding change: c.12022G>C on transcript NM_001378454.1 (MANE Select); coding-DNA position 12022, G replaced by C.
Protein change: p.Gly4008Arg; replaces glycine 4008 with arginine.
Molecular consequence: missense variant.
Genome position (GRCh38, 1-based): chr2:73,601,344, G>C. VCF-style: chr2-73601344-G-C. GRCh37 (hg19) VCF-style: chr2-73828471-G-C.
Other names: c.12025G>C, p.Gly4009Arg (NM_015120.4); short protein forms G4008R, G4009R.
Identifiers: ClinVar variation 2095558 (VCV002095558.4), dbSNP rs1193106279, ClinGen allele CA347266510.
Genomic context (GRCh38, chr2:73,601,344, plus strand): 5'-TTTGAACCAATAACCAAGACCAGACCCTGGAGGGAGCCACTGCGGGAGCAGAACTGTCAG[G>C]GGCAGCACCTGGACGGTCGGGGCTACCTGGCAGGCCCAGGCAGAGAGGCTGGCAGAGACC-3'
Protein context (NP_001365383.1, residues 3998-4018): REPLREQNCQ[Gly4008Arg]QHLDGRGYLA